The following is an entry in ClinVar:

NM_152383.5(DIS3L2):c.677A>T (p.Glu226Val)

Gene: DIS3L2 (DIS3 like 3'-5' exoribonuclease 2; plus strand). Cytogenetic location: 2q37.1.
Variant type: single nucleotide variant.
Coding change: c.677A>T on transcript NM_152383.5 (MANE Select); coding-DNA position 677, A replaced by T.
Protein change: p.Glu226Val; replaces glutamic acid 226 with valine.
Molecular consequence: missense variant. On other transcripts: non-coding transcript variant (2).
Genome position (GRCh38, 1-based): chr2:232,130,694, A>T. VCF-style: chr2-232130694-A-T. GRCh37 (hg19) VCF-style: chr2-232995404-A-T.
Other names: c.677A>T, p.Glu226Val (NM_001257281.2, NM_001257282.2); short protein forms E226V.
Identifiers: ClinVar variation 3365718 (VCV003365718.1).

ClinVar aggregate classification (germline): Uncertain significance (1 of 4 stars; one submission).

Submission:

GeneDx
Classification: Uncertain significance. Last evaluated: 2024-01-16. Review status: criteria provided, single submitter. Criteria: GeneDx Variant Classification Process June 2021. Collection method: clinical testing. Allele origin: germline. Affected: yes.
Comment: Not observed at significant frequency in large population cohorts (gnomAD); In silico analysis supports that this missense variant has a deleterious effect on protein structure/function; Has not been previously published as pathogenic or benign to our knowledge